The following is an entry in ClinVar:

ClinVar aggregate classification (germline): Uncertain significance (1 of 4 stars; one submission).

Allele frequency attached by ClinVar (database versions not stated): gnomAD exomes below 0.00001.
gnomAD v4.1: 2 of 1,567,942 alleles (0.00013%); highest among the groups gnomAD compares: Non-Finnish European, 0.00017%; no homozygotes.

Submission:

GeneDx
Classification: Uncertain significance. Last evaluated: 2022-12-21. Review status: criteria provided, single submitter. Criteria: GeneDx Variant Classification Process June 2021. Collection method: clinical testing. Allele origin: germline. Affected: yes.
Comment: Identified in a patient with frontotemporal dementia in published literature (van der Zee et al., 2017); Not observed at significant frequency in large population cohorts (gnomAD); In silico analysis supports that this missense variant does not alter protein structure/function; This variant is associated with the following publications: (PMID: 28008748, 36113750)

NM_013254.4(TBK1):c.1217A>G (p.Tyr406Cys)

Gene: TBK1 (TANK binding kinase 1; plus strand). Cytogenetic location: 12q14.2.
Variant type: single nucleotide variant.
Coding change: c.1217A>G on transcript NM_013254.4 (MANE Select); coding-DNA position 1217, A replaced by G.
Protein change: p.Tyr406Cys; replaces tyrosine 406 with cysteine.
Molecular consequence: missense variant.
Genome position (GRCh38, 1-based): chr12:64,485,482, A>G. VCF-style: chr12-64485482-A-G. GRCh37 (hg19) VCF-style: chr12-64879262-A-G.
Other names: short protein forms Y406C.
Identifiers: ClinVar variation 2506838 (VCV002506838.1), dbSNP rs2539519074, ClinGen allele CA385600733.